The following is an entry in ClinVar:

ClinVar aggregate classification (germline): Uncertain significance (1 of 4 stars; one submission).

Conditions:
Left ventricular noncompaction 8 (LVNC8). Identifiers: Orphanet 154, Orphanet 54260, MedGen C3809288, MONDO:0014152, OMIM 615373.

Allele frequency attached by ClinVar (database versions not stated): TOPMed below 0.00001.

Submission:

Labcorp Genetics (formerly Invitae), Labcorp
Classification: Uncertain significance for Left ventricular noncompaction 8. Last evaluated: 2022-02-18. Review status: criteria provided, single submitter. Criteria: Invitae Variant Classification Sherloc (09022015). Collection method: clinical testing. Allele origin: germline.
Comment: Algorithms developed to predict the effect of missense changes on protein structure and function (SIFT, PolyPhen-2, Align-GVGD) all suggest that this variant is likely to be tolerated. This sequence change replaces serine, which is neutral and polar, with glycine, which is neutral and non-polar, at codon 333 of the PRDM16 protein (p.Ser333Gly). This variant is not present in population databases (gnomAD no frequency). This variant has not been reported in the literature in individuals affected with PRDM16-related conditions. In summary, the available evidence is currently insufficient to determine the role of this variant in disease. Therefore, it has been classified as a Variant of Uncertain Significance.

NM_022114.4(PRDM16):c.997A>G (p.Ser333Gly)

Gene: PRDM16 (PR/SET domain 16; plus strand). Cytogenetic location: 1p36.32.
Variant type: single nucleotide variant.
Coding change: c.997A>G on transcript NM_022114.4 (MANE Select); coding-DNA position 997, A replaced by G.
Protein change: p.Ser333Gly; replaces serine 333 with glycine.
Molecular consequence: missense variant.
Genome position (GRCh38, 1-based): chr1:3,404,851, A>G. VCF-style: chr1-3404851-A-G. GRCh37 (hg19) VCF-style: chr1-3321415-A-G.
Other names: c.997A>G, p.Ser333Gly (NM_199454.3); short protein forms S333G.
Identifiers: ClinVar variation 2098432 (VCV002098432.4), dbSNP rs911763670, ClinGen allele CA17018538.